The following is an entry in ClinVar:

ClinVar aggregate classification (germline): Conflicting classifications of pathogenicity. Review status: criteria provided, conflicting classifications (1 of 4 stars). 5 submissions from 5 submitters: Uncertain significance (1); Likely benign (4). Last evaluated 2026-04-14.

Conditions:
Mitochondrial complex I deficiency, nuclear type 1. Also called: NADH-COENZYME Q REDUCTASE DEFICIENCY; MITOCHONDRIAL NADH DEHYDROGENASE COMPONENT OF COMPLEX I, DEFICIENCY OF. Identifiers: MedGen C6022305, MONDO:0100224, OMIM 252010.
NUBPL-related disorder. Also called: NUBPL-related condition.

Allele frequency attached by ClinVar (database versions not stated): ESP Exome Variant Server 0.00009; gnomAD 0.00009 and 0.00015; gnomAD exomes 0.00019 and 0.00032; TOPMed 0.00023; ExAC 0.00031; 1000 Genomes Project 0.00040; 1000 Genomes Project 30x 0.00047.
gnomAD v4.1: 291 of 1,544,036 alleles (0.019%); highest among the groups gnomAD compares: East Asian, 0.22%; 1 homozygote.

Submissions (5):

PreventionGenetics, part of Exact Sciences
Classification: Likely benign for NUBPL-related condition. Last evaluated: 2026-04-14. Review status: criteria provided, single submitter. Criteria: ACMG Guidelines, 2015. Collection method: clinical testing. Allele origin: germline.
Comment: This variant is classified as likely benign based on ACMG/AMP sequence variant interpretation guidelines (Richards et al. 2015 PMID: 25741868, with internal and published modifications).

Labcorp Genetics (formerly Invitae), Labcorp
Classification: Likely benign. Last evaluated: 2026-01-24. Review status: criteria provided, single submitter. Criteria: Invitae Variant Classification Sherloc (09022015). Collection method: clinical testing. Allele origin: germline.

Blueprint Genetics
Classification: Likely benign. Last evaluated: 2024-10-24. Review status: criteria provided, single submitter. Criteria: ACMG Guidelines, 2015. Collection method: clinical testing. Allele origin: germline.

CeGaT Center for Human Genetics Tuebingen
Classification: Likely benign. Last evaluated: 2024-07-01. Review status: criteria provided, single submitter. Criteria: CeGaT Center For Human Genetics Tuebingen Variant Classification Criteria Version 2. Collection method: clinical testing. Allele origin: germline. Affected: yes. Observed: 1 variant allele.
Comment: NUBPL: BP4, BP7

Illumina Laboratory Services, Illumina
Classification: Uncertain significance for Mitochondrial complex I deficiency, nuclear type 1. Last evaluated: 2018-01-12. Review status: criteria provided, single submitter. Criteria: ICSL Variant Classification Criteria 13 December 2019. Collection method: clinical testing. Allele origin: germline.

NM_025152.3(NUBPL):c.285C>T (p.Asn95=)

Gene: NUBPL (NUBP iron-sulfur cluster assembly factor, mitochondrial; plus strand). Cytogenetic location: 14q12.
Variant type: single nucleotide variant.
Coding change: c.285C>T on transcript NM_025152.3 (MANE Select); coding-DNA position 285, C replaced by T.
Protein change: p.Asn95=; no amino-acid change (asparagine 95 retained).
Molecular consequence: synonymous variant. On other transcripts: non-coding transcript variant (1).
Genome position (GRCh38, 1-based): chr14:31,565,042, C>T. VCF-style: chr14-31565042-C-T. GRCh37 (hg19) VCF-style: chr14-32034248-C-T.
Identifiers: ClinVar variation 313022 (VCV000313022.32), dbSNP rs373232503, ClinGen allele CA7147771.